The following is an entry in ClinVar:

NM_003072.5(SMARCA4):c.1784A>T (p.Gln595Leu)

Gene: SMARCA4 (SWI/SNF related BAF chromatin remodeling complex subunit ATPase 4; plus strand). Cytogenetic location: 19p13.2.
Variant type: single nucleotide variant.
Coding change: c.1784A>T on transcript NM_003072.5 (MANE Select); coding-DNA position 1784, A replaced by T.
Protein change: p.Gln595Leu; replaces glutamine 595 with leucine.
Molecular consequence: missense variant. On other transcripts: non-coding transcript variant (1).
Genome position (GRCh38, 1-based): chr19:10,996,516, A>T. VCF-style: chr19-10996516-A-T. GRCh37 (hg19) VCF-style: chr19-11107192-A-T.
Other names: c.1784A>T, p.Gln595Leu (NM_001128844.3, NM_001128845.2, NM_001128846.2 and 4 more transcripts); short protein forms Q595L.
Identifiers: ClinVar variation 835817 (VCV000835817.9), dbSNP rs2087065585, ClinGen allele CA404064803.
Genomic context (GRCh38, chr19:10,996,516, plus strand): 5'-GTGGGTCAGGGCCTGACCGTGTCTCTCTCTATTTCCAGAAGGCAGAAAATGCAGAAGGAC[A>T]GACGCCTGCCATTGGGCCGGATGGCGAGGTGAGGAAGCAGGGTTTCTTGTGGAAGTATCA-3'
Protein context (NP_003063.2, residues 585-605): KKKKAENAEG[Gln595Leu]TPAIGPDGEP

ClinVar aggregate classification (germline): Uncertain significance (1 of 4 stars; one submission).

Conditions:
Rhabdoid tumor predisposition syndrome 2 (RTPS2). Identifiers: Orphanet 231108, Orphanet 69077, MedGen C2750074, MONDO:0013224, OMIM 613325.

Submission:

Labcorp Genetics (formerly Invitae), Labcorp
Classification: Uncertain significance for Rhabdoid tumor predisposition syndrome 2. Last evaluated: 2019-02-12. Review status: criteria provided, single submitter. Criteria: Invitae Variant Classification Sherloc (09022015). Collection method: clinical testing. Allele origin: germline.
Comment: This variant is not present in population databases (ExAC no frequency). This sequence change replaces glutamine with leucine at codon 595 of the SMARCA4 protein (p.Gln595Leu). The glutamine residue is highly conserved and there is a moderate physicochemical difference between glutamine and leucine. Algorithms developed to predict the effect of missense changes on protein structure and function are either unavailable or do not agree on the potential impact of this missense change (SIFT: "Deleterious"; PolyPhen-2: "Benign"; Align-GVGD: "Class C15"). This variant has not been reported in the literature in individuals with SMARCA4-related conditions. In summary, the available evidence is currently insufficient to determine the role of this variant in disease. Therefore, it has been classified as a Variant of Uncertain Significance.